The following is an entry in ClinVar:

ClinVar aggregate classification (germline): Benign/Likely benign. Review status: criteria provided, multiple submitters, no conflicts (2 of 4 stars). 3 submissions from 3 submitters: Benign (2); Likely benign (1). Last evaluated 2022-11-01.

Allele frequency attached by ClinVar (database versions not stated): 1000 Genomes Project 30x 0.00219; 1000 Genomes Project 0.00220; ExAC 0.00390; gnomAD exomes 0.00406; ESP Exome Variant Server 0.00429; gnomAD 0.00442 and 0.00449; TOPMed 0.00465.
gnomAD v4.1: 8,463 of 1,610,850 alleles (0.53%); highest among the groups gnomAD compares: Non-Finnish European, 0.64%; 27 homozygotes.

Submissions (3):

CeGaT Center for Human Genetics Tuebingen
Classification: Likely benign. Last evaluated: 2022-11-01. Review status: criteria provided, single submitter. Criteria: CeGaT Center For Human Genetics Tuebingen Variant Classification Criteria Version 2. Collection method: clinical testing. Allele origin: germline. Affected: yes. Observed: 1 variant allele.
Comment: PTPRB: BP4, BP7, BS2

Labcorp Genetics (formerly Invitae), Labcorp
Classification: Benign. Last evaluated: 2018-04-06. Review status: criteria provided, single submitter. Criteria: Invitae Variant Classification Sherloc (09022015). Collection method: clinical testing. Allele origin: germline.

Breakthrough Genomics
Classification: Benign. Review status: criteria provided, single submitter. Criteria: ACMG Guidelines, 2015. Collection method: not provided. Allele origin: germline. Inheritance: Unknown mechanism. Affected: yes.

NM_001109754.4(PTPRB):c.5448A>G (p.Pro1816=)

Genes: PTPRB (protein tyrosine phosphatase receptor type B; minus strand), PTPRB-AS1 (PTPRB antisense RNA 1; plus strand). Cytogenetic location: 12q15.
Variant type: single nucleotide variant.
Coding change: c.5448A>G on transcript NM_001109754.4 (MANE Select); coding-DNA position 5448, A replaced by G.
Protein change: p.Pro1816=; no amino-acid change (proline 1816 retained).
Molecular consequence: synonymous variant.
Genome position (GRCh38, 1-based): chr12:70,544,603, T>C on the plus strand (A>G on the coding strand, the complement: PTPRB is on the minus strand). VCF-style: chr12-70544603-T-C. GRCh37 (hg19) VCF-style: chr12-70938383-T-C.
Other names: c.4524A>G, p.Pro1508= (NM_001206971.3, NM_001206972.3); c.5184A>G, p.Pro1728= (NM_001330204.2); c.4794A>G, p.Pro1598= (NM_002837.6).
Identifiers: ClinVar variation 784303 (VCV000784303.28), dbSNP rs77630153, ClinGen allele CA6683511.
Genomic context (GRCh38, chr12:70,544,603, plus strand): 5'-AAGGTTAGCCTTACCTGATTCAGTAGTGATGGGTAAAGAAAAAAATGTGTCTGAATAGAG[T>C]GGCTTTGTGAATTCCTTCAGGTCCTCATCAAAGAGCTGTGTAAAAGCTCGAATGCTGATT-3'
Protein context (NP_001103224.1, residues 1806-1826): FDEDLKEFTK[Pro1816=]LYSDTFFSLP